The following is an entry in ClinVar:

NM_000492.4(CFTR):c.1960A>T (p.Ser654Cys)

Gene: CFTR (CF transmembrane conductance regulator; plus strand). Cytogenetic location: 7q31.2.
Variant type: single nucleotide variant.
Coding change: c.1960A>T on transcript NM_000492.4 (MANE Select); coding-DNA position 1960, A replaced by T.
Protein change: p.Ser654Cys; replaces serine 654 with cysteine.
Molecular consequence: missense variant.
Genome position (GRCh38, 1-based): chr7:117,592,127, A>T. VCF-style: chr7-117592127-A-T. GRCh37 (hg19) VCF-style: chr7-117232181-A-T.
Other names: short protein forms S654C.
Identifiers: ClinVar variation 820421 (VCV000820421.16), dbSNP rs1800099, ClinGen allele CA368979009.

ClinVar aggregate classification (germline): Uncertain significance. Review status: criteria provided, multiple submitters, no conflicts (2 of 4 stars). 3 submissions from 3 submitters: Uncertain significance (3). Last evaluated 2024-06-27.

Conditions:
Cystic fibrosis (CF). Also called: MUCOVISCIDOSIS. Identifiers: Orphanet 586, MedGen C0010674, MONDO:0009061, OMIM 219700. Disease mechanism: loss of function.

Submissions (3):

Ambry Genetics
Classification: Uncertain significance for Cystic fibrosis. Last evaluated: 2024-06-27. Review status: criteria provided, single submitter. Criteria: Ambry Variant Classification Scheme 2023. Collection method: clinical testing. Allele origin: germline.
Comment: The p.S654C variant (also known as c.1960A>T), located in coding exon 14 of the CFTR gene, results from an A to T substitution at nucleotide position 1960. The serine at codon 654 is replaced by cysteine, an amino acid with dissimilar properties. This amino acid position is not well conserved in available vertebrate species. In addition, the in silico prediction for this alteration is inconclusive. Based on the available evidence, the clinical significance of this variant remains unclear.

Genome-Nilou Lab
Classification: Uncertain significance for Cystic fibrosis. Last evaluated: 2021-09-05. Review status: criteria provided, single submitter. Criteria: ACMG Guidelines, 2015. Collection method: clinical testing. Allele origin: germline. Affected: no.

Labcorp Genetics (formerly Invitae), Labcorp
Classification: Uncertain significance for Cystic fibrosis. Last evaluated: 2020-09-03. Review status: criteria provided, single submitter. Criteria: Invitae Variant Classification Sherloc (09022015). Collection method: clinical testing. Allele origin: germline.
Comment: This variant has not been reported in the literature in individuals with CFTR-related conditions. ClinVar contains an entry for this variant (Variation ID: 820421). In summary, the available evidence is currently insufficient to determine the role of this variant in disease. Therefore, it has been classified as a Variant of Uncertain Significance. Algorithms developed to predict the effect of missense changes on protein structure and function are either unavailable or do not agree on the potential impact of this missense change (SIFT: "Deleterious"; PolyPhen-2: "Benign"; Align-GVGD: "Class C0"). This variant is not present in population databases (ExAC no frequency). This sequence change replaces serine with cysteine at codon 654 of the CFTR protein (p.Ser654Cys). The serine residue is weakly conserved and there is a moderate physicochemical difference between serine and cysteine.